The following is an entry in ClinVar:

ClinVar aggregate classification (germline): Benign/Likely benign. Review status: criteria provided, multiple submitters, no conflicts (2 of 4 stars). 4 submissions from 4 submitters: Benign (1); Likely benign (3). Last evaluated 2026-08-18.

Conditions:
Hereditary cancer-predisposing syndrome. Also called: Neoplastic Syndromes, Hereditary; Tumor predisposition; Hereditary neoplastic syndrome; Hereditary Cancer Syndrome. Identifiers: Orphanet 140162, MedGen C0027672, MeSH D009386, MONDO:0015356.
DICER1-related tumor predisposition. Also called: DICER1-related pleuropulmonary blastoma cancer predisposition syndrome; DICER1 syndrome. Identifiers: Orphanet 284343, MedGen C3839822, MONDO:0100216.

gnomAD v4.1: 1 of 1,614,066 alleles (0.000062%); highest among the groups gnomAD compares: Non-Finnish European, 0.000085%; no homozygotes.

Submissions (4):

Myriad Genetics, Inc.
Classification: Benign for DICER1-related tumor predisposition. Last evaluated: 2026-08-18. Review status: criteria provided, single submitter. Criteria: Myriad Autosomal Dominant, Autosomal Recessive and X-Linked Classification Criteria (2023). Collection method: clinical testing. Allele origin: unknown.
Comment: This variant is considered benign. This variant is a silent/synonymous amino acid change and it is not expected to impact splicing.

Labcorp Genetics (formerly Invitae), Labcorp
Classification: Likely benign for DICER1-related tumor predisposition. Last evaluated: 2025-04-27. Review status: criteria provided, single submitter. Criteria: Invitae Variant Classification Sherloc (09022015). Collection method: clinical testing. Allele origin: germline.

Ambry Genetics
Classification: Likely benign for Hereditary cancer-predisposing syndrome. Last evaluated: 2025-03-12. Review status: criteria provided, single submitter. Criteria: Ambry Variant Classification Scheme 2023. Collection method: clinical testing. Allele origin: germline.

Hereditary Cancer Group, L’Institut d'Investigació Biomèdica de Bellvitge
Classification: Likely benign for Hereditary cancer-predisposing syndrome. Last evaluated: 2024-12-19. Review status: criteria provided, single submitter. Criteria: Hatton et al. (Hum Mutat. 2023). Collection method: clinical testing. Allele origin: germline. Inheritance: Autosomal dominant inheritance. Affected: yes.
Comment: PM2_supporting, BP4, BP7

NM_177438.3(DICER1):c.279A>G (p.Gly93=)

Gene: DICER1 (dicer 1, ribonuclease III; minus strand). Cytogenetic location: 14q32.13.
Variant type: single nucleotide variant.
Coding change: c.279A>G on transcript NM_177438.3 (MANE Select); coding-DNA position 279, A replaced by G.
Protein change: p.Gly93=; no amino-acid change (glycine 93 retained).
Molecular consequence: synonymous variant. On other transcripts: non-coding transcript variant (6), missense variant (7), 5 prime UTR variant (2).
Genome position (GRCh38, 1-based): chr14:95,132,543, T>C on the plus strand (A>G on the coding strand, the complement: DICER1 is on the minus strand). VCF-style: chr14-95132543-T-C. GRCh37 (hg19) VCF-style: chr14-95598880-T-C.
Other names: c.279A>G, p.Gly93= (NM_001195573.1, NM_001271282.3, NM_001291628.2 and 14 more transcripts); c.5A>G, p.Glu2Gly (NM_001395686.1, NM_001395687.1, NM_001395688.1 and 4 more transcripts); c.-180A>G (NM_001395691.1); c.-1290A>G (NM_001395697.1); short protein forms E2G.
Identifiers: ClinVar variation 3393358 (VCV003393358.5).